The following is an entry in ClinVar:

NM_000064.4(C3):c.-3_-2dup

Gene: C3 (complement C3; minus strand). Cytogenetic location: 19p13.3.
Variant type: Duplication.
Coding change: c.-3_-2dup on transcript NM_000064.4 (MANE Select); 3 bases upstream of the start codon through 2 bases upstream of the start codon, 2 bases duplicated (AC; older notation c.-3_-2dupAC).
Molecular consequence: 5 prime UTR variant.
Genome position (GRCh38, 1-based): chr19:6,720,591-6,720,592, GT duplicated on the plus strand (AC on the coding strand, the reverse complement: C3 is on the minus strand); duplicating any 2 consecutive bases within chr19:6,720,591-6,720,593 gives the same sequence; the c. name uses the placement nearest the transcript's 3' end. VCF-style (leftmost placement, unchanged base first): chr19-6720590-G-GGT. GRCh37 (hg19) VCF-style: chr19-6720601-G-GGT.
Other names: c.-3_-2dup (LRG_27t1); c.-3_-2dupAC (NM_000064.3).
Identifiers: ClinVar variation 330341 (VCV000330341.37), dbSNP rs528697923, ClinGen allele CA9129931.
Genomic context (GRCh38, chr19:6,720,590, plus strand): 5'-AGCCAGGGGGAGGTGGGTTAGTAGCAGGAGCAGCAGGCTGGGACCTGAGGTGGGTCCCAT[G>GGT]GTGCTGGGACAGTGCAGGGTCAGAGGGACAGAGGGACAGAGGGAGAGGATGGGGAGGAGT-3'

ClinVar aggregate classification (germline): Benign/Likely benign. Review status: criteria provided, multiple submitters, no conflicts (2 of 4 stars). 6 submissions from 6 submitters: Benign (3); Likely benign (3). Last evaluated 2026-07-01.

Conditions:
Atypical hemolytic-uremic syndrome. Identifiers: Orphanet 2134, MedGen C2931788, MONDO:0016244.
Complement component 3 deficiency. Identifiers: Orphanet 280133, MedGen C3151071, MONDO:0013417, OMIM 613779.
C3 glomerulonephritis. Also called: C3 GLOMERULOPATHY 3; Nephropathy due to CFHR5 Deficiency. Identifiers: Orphanet 329931, MedGen C4055342, MONDO:0013892, OMIM 614809.

Submissions (6):

CeGaT Center for Human Genetics Tuebingen
Classification: Likely benign. Last evaluated: 2026-07-01. Review status: criteria provided, single submitter. Criteria: CeGaT Center For Human Genetics Tuebingen Variant Classification Criteria Version 2. Collection method: clinical testing. Allele origin: germline. Affected: yes. Observed: 12 variant alleles.
Comment: C3: BP4, BS2

Genomenon, Inc
Classification: Benign for Complement component 3 deficiency; C3 glomerulonephritis; Atypical hemolytic-uremic syndrome. Last evaluated: 2025-09-30. Review status: criteria provided, single submitter. Criteria: Genomenon Sequence Variant Interpretation Standards. Collection method: curation. Allele origin: germline. Affected: no.
Comment: C3 c.-3_-2dup is a variant located in the 5' untranslated region (5' UTR). This variant is present at high allele frequency in population databases. In conclusion, we classify C3 c.-3_-2dup as a benign variant.

Blueprint Genetics
Classification: Likely benign. Last evaluated: 2024-11-28. Review status: criteria provided, single submitter. Criteria: ACMG Guidelines, 2015. Collection method: clinical testing. Allele origin: germline.

Mayo Clinic Laboratories, Mayo Clinic
Classification: Likely benign. Last evaluated: 2024-04-02. Review status: criteria provided, single submitter. Criteria: ACMG Guidelines, 2015. Collection method: clinical testing. Allele origin: germline. Observed: 35 variant alleles.
Comment: BS1, BP5

Genome Diagnostics Laboratory, The Hospital for Sick Children
Classification: Benign for Atypical hemolytic-uremic syndrome. Last evaluated: 2021-11-22. Review status: criteria provided, single submitter. Criteria: ACMG Guidelines, 2015. Collection method: clinical testing. Allele origin: germline.

Genetic Services Laboratory, University of Chicago
Classification: Benign. Last evaluated: 2018-10-11. Review status: criteria provided, single submitter. Criteria: ACMG Guidelines, 2015. Collection method: clinical testing. Allele origin: germline. Affected: no.